The following is an entry in ClinVar:

ClinVar aggregate classification (germline): Uncertain significance (1 of 4 stars; one submission).

Allele frequency attached by ClinVar (database versions not stated): gnomAD exomes below 0.00001; TOPMed below 0.00001; gnomAD 0.00001; ExAC 0.00002; 1000 Genomes Project 0.00020; 1000 Genomes Project 30x 0.00031.
gnomAD v4.1: 3 of 1,613,872 alleles (0.00019%); highest among the groups gnomAD compares: Admixed American, 0.0017%; no homozygotes.

Submission:

Labcorp Genetics (formerly Invitae), Labcorp
Classification: Uncertain significance. Last evaluated: 2025-04-17. Review status: criteria provided, single submitter. Criteria: Invitae Variant Classification Sherloc (09022015). Collection method: clinical testing. Allele origin: germline.
Comment: This sequence change affects a donor splice site in intron 11 of the MAPKAPK3 gene. It is expected to disrupt RNA splicing. Variants that disrupt the donor or acceptor splice site typically lead to a loss of protein function (PMID: 16199547), however the current clinical and genetic evidence is not sufficient to establish whether loss-of-function variants in MAPKAPK3 cause disease. This variant is present in population databases (rs200269979, gnomAD 0.0009%). This variant has not been reported in the literature in individuals affected with MAPKAPK3-related conditions. ClinVar contains an entry for this variant (Variation ID: 1062986). Algorithms developed to predict the effect of sequence changes on RNA splicing suggest that this variant may disrupt the consensus splice site. In summary, the available evidence is currently insufficient to determine the role of this variant in disease. Therefore, it has been classified as a Variant of Uncertain Significance.

Literature cited by the submitters: PubMed 16199547.

NM_001243925.2(MAPKAPK3):c.915+1G>A

Gene: MAPKAPK3 (MAPK activated protein kinase 3; plus strand). Cytogenetic location: 3p21.2.
Variant type: single nucleotide variant.
Coding change: c.915+1G>A on transcript NM_001243925.2 (MANE Select); the canonical splice donor site of the intron after coding-DNA position 915, G replaced by A.
Molecular consequence: splice donor variant.
Genome position (GRCh38, 1-based): chr3:50,646,826, G>A. VCF-style: chr3-50646826-G-A. GRCh37 (hg19) VCF-style: chr3-50684257-G-A.
Other names: c.915+1G>A (NM_001243926.2, NM_004635.5).
Identifiers: ClinVar variation 1062986 (VCV001062986.5), dbSNP rs200269979, ClinGen allele CA2420413.
Genomic context (GRCh38, chr3:50,646,826, plus strand): 5'-AAGACAGACCCCACAGAGAGGCTGACCATCACTCAGTTCATGAACCACCCCTGGATCAAC[G>A]TGAGCCCCTCCTCCTCCCATGGCAGGCAGGGTGTCCAACAGGAGTGGGGCTGCCGGGCAG-3'